The following is an entry in ClinVar:

NM_001242394.2(SYTL3):c.1377C>T (p.Leu459=)

Gene: SYTL3 (synaptotagmin like 3; plus strand). Cytogenetic location: 6q25.3.
Variant type: single nucleotide variant.
Coding change: c.1377C>T on transcript NM_001242394.2 (MANE Select); coding-DNA position 1377, C replaced by T.
Protein change: p.Leu459=; no amino-acid change (leucine 459 retained).
Molecular consequence: synonymous variant.
Genome position (GRCh38, 1-based): chr6:158,760,708, C>T. VCF-style: chr6-158760708-C-T. GRCh37 (hg19) VCF-style: chr6-159181740-C-T.
Other names: c.1173C>T, p.Leu391= (NM_001009991.4, NM_001242395.2); c.1377C>T, p.Leu459= (NM_001242384.2); c.759C>T, p.Leu253= (NM_001318745.2).
Identifiers: ClinVar variation 2657092 (VCV002657092.24), dbSNP rs117895837, ClinGen allele CA4074557.

ClinVar aggregate classification (germline): Likely benign (1 of 4 stars; one submission).

Allele frequency attached by ClinVar (database versions not stated): 1000 Genomes Project 30x 0.00219; 1000 Genomes Project 0.00220; TOPMed 0.00334; ESP Exome Variant Server 0.00338; gnomAD 0.00351; ExAC 0.00372; gnomAD exomes 0.00514.
gnomAD v4.1: 8,009 of 1,614,144 alleles (0.5%); highest among the groups gnomAD compares: Non-Finnish European, 0.6%; 26 homozygotes.

Submission:

CeGaT Center for Human Genetics Tuebingen
Classification: Likely benign. Last evaluated: 2023-04-01. Review status: criteria provided, single submitter. Criteria: CeGaT Center For Human Genetics Tuebingen Variant Classification Criteria Version 2. Collection method: clinical testing. Allele origin: germline. Affected: yes. Observed: 1 variant allele.
Comment: SYTL3: BP4, BP7, BS2